The following is an entry in ClinVar:

ClinVar aggregate classification (germline): Uncertain significance (1 of 4 stars; one submission).

gnomAD v4.1: 1 of 1,613,410 alleles (0.000062%); no homozygotes.

Submission:

Labcorp Genetics (formerly Invitae), Labcorp
Classification: Uncertain significance. Last evaluated: 2024-11-11. Review status: criteria provided, single submitter. Criteria: Invitae Variant Classification Sherloc (09022015). Collection method: clinical testing. Allele origin: germline.
Comment: This sequence change falls in intron 6 of the CACNA1E gene. It does not directly change the encoded amino acid sequence of the CACNA1E protein. It affects a nucleotide within the consensus splice site. This variant is not present in population databases (gnomAD no frequency). This variant has not been reported in the literature in individuals affected with CACNA1E-related conditions. ClinVar contains an entry for this variant (Variation ID: 2135455). Variants that disrupt the consensus splice site are a relatively common cause of aberrant splicing (PMID: 17576681, 9536098). Algorithms developed to predict the effect of sequence changes on RNA splicing suggest that this variant is not likely to affect RNA splicing. In summary, the available evidence is currently insufficient to determine the role of this variant in disease. Therefore, it has been classified as a Variant of Uncertain Significance.

Literature cited by the submitters: PubMed 17576681; PubMed 9536098.

NM_001205293.3(CACNA1E):c.951+3G>A

Gene: CACNA1E (calcium voltage-gated channel subunit alpha1 E; plus strand). Cytogenetic location: 1q25.3.
Variant type: single nucleotide variant.
Coding change: c.951+3G>A on transcript NM_001205293.3 (MANE Select); 3 bases into the intron after coding-DNA position 951, G replaced by A.
Molecular consequence: intron variant.
Genome position (GRCh38, 1-based): chr1:181,580,779, G>A. VCF-style: chr1-181580779-G-A. GRCh37 (hg19) VCF-style: chr1-181549915-G-A.
Other names: c.951+3G>A (NM_000721.4, NM_001205294.2).
Identifiers: ClinVar variation 2135455 (VCV002135455.4), dbSNP rs1651437378, ClinGen allele CA1009789992.
Genomic context (GRCh38, chr1:181,580,779, plus strand): 5'-TGTGCTGACTGTCTTCCAGTGCATCACCATGGAAGGGTGGACCACTGTGCTGTACAATGT[G>A]AGTAGAGCTGGTGGGGACCTGGAAGGAGGAGGGAAGAACCCTGGATGGAGGCTTCTGTGG-3'